The following is an entry in ClinVar:

ClinVar aggregate classification (germline): Likely benign (1 of 4 stars; one submission).

Allele frequency attached by ClinVar (database versions not stated): ESP Exome Variant Server 0.00015; 1000 Genomes Project 30x 0.00016; 1000 Genomes Project 0.00020.
gnomAD v4.1: 35 of 1,614,108 alleles (0.0022%); highest among the groups gnomAD compares: Admixed American, 0.005%; no homozygotes.

Submission:

CeGaT Center for Human Genetics Tuebingen
Classification: Likely benign. Last evaluated: 2023-02-01. Review status: criteria provided, single submitter. Criteria: CeGaT Center For Human Genetics Tuebingen Variant Classification Criteria Version 2. Collection method: clinical testing. Allele origin: germline. Affected: yes. Observed: 1 variant allele.
Comment: PIKFYVE: BP4, BP7

NM_015040.4(PIKFYVE):c.1275C>T (p.His425=)

Gene: PIKFYVE (phosphoinositide kinase, FYVE-type zinc finger containing; plus strand). Cytogenetic location: 2q34.
Variant type: single nucleotide variant.
Coding change: c.1275C>T on transcript NM_015040.4 (MANE Select); coding-DNA position 1275, C replaced by T.
Protein change: p.His425=; no amino-acid change (histidine 425 retained).
Molecular consequence: synonymous variant.
Genome position (GRCh38, 1-based): chr2:208,302,308, C>T. VCF-style: chr2-208302308-C-T. GRCh37 (hg19) VCF-style: chr2-209167032-C-T.
Other names: c.1275C>T, p.His425= (NM_001178000.2); c.984C>T, p.His328= (NM_152671.4).
Identifiers: ClinVar variation 2651852 (VCV002651852.24), dbSNP rs151172579, ClinGen allele CA2079495.